The following is an entry in ClinVar:

NM_020433.5(JPH2):c.1208A>G (p.Gln403Arg)

Gene: JPH2 (junctophilin 2; minus strand). Cytogenetic location: 20q13.12.
Variant type: single nucleotide variant.
Coding change: c.1208A>G on transcript NM_020433.5 (MANE Select); coding-DNA position 1208, A replaced by G.
Protein change: p.Gln403Arg; replaces glutamine 403 with arginine.
Molecular consequence: missense variant.
Genome position (GRCh38, 1-based): chr20:44,118,585, T>C on the plus strand (A>G on the coding strand, the complement: JPH2 is on the minus strand). VCF-style: chr20-44118585-T-C. GRCh37 (hg19) VCF-style: chr20-42747225-T-C.
Other names: short protein forms Q403R.
Identifiers: ClinVar variation 3653977 (VCV003653977.2).

ClinVar aggregate classification (germline): Uncertain significance (1 of 4 stars; one submission).

Conditions:
Hypertrophic cardiomyopathy. Also called: HYPERTROPHIC MYOCARDIOPATHY. Identifiers: Orphanet 217569, MedGen C0007194, MeSH D002312, MONDO:0005045, HP:0001639.

Submission:

Labcorp Genetics (formerly Invitae), Labcorp
Classification: Uncertain significance for Hypertrophic cardiomyopathy. Last evaluated: 2024-05-21. Review status: criteria provided, single submitter. Criteria: Invitae Variant Classification Sherloc (09022015). Collection method: clinical testing. Allele origin: germline.
Comment: This sequence change replaces glutamine, which is neutral and polar, with arginine, which is basic and polar, at codon 403 of the JPH2 protein (p.Gln403Arg). This variant is not present in population databases (gnomAD no frequency). This variant has not been reported in the literature in individuals affected with JPH2-related conditions. An algorithm developed to predict the effect of missense changes on protein structure and function (PolyPhen-2) suggests that this variant is likely to be disruptive. In summary, the available evidence is currently insufficient to determine the role of this variant in disease. Therefore, it has been classified as a Variant of Uncertain Significance.